The following is an entry in ClinVar:

ClinVar aggregate classification (germline): Uncertain significance (1 of 4 stars; one submission).

Conditions:
Hereditary cancer-predisposing syndrome. Also called: Neoplastic Syndromes, Hereditary; Tumor predisposition; Hereditary Cancer Syndrome; Hereditary neoplastic syndrome. Identifiers: Orphanet 140162, MedGen C0027672, MeSH D009386, MONDO:0015356.

Submission:

Ambry Genetics
Classification: Uncertain significance for Hereditary cancer-predisposing syndrome. Last evaluated: 2026-05-08. Review status: criteria provided, single submitter. Criteria: Ambry Variant Classification Scheme 2023. Collection method: clinical testing. Allele origin: germline.
Comment: The p.L1796P variant (also known as c.5387T>C), located in coding exon 41 of the TSC2 gene, results from a T to C substitution at nucleotide position 5387. The leucine at codon 1796 is replaced by proline, an amino acid with similar properties. This amino acid position is highly conserved in available vertebrate species. In addition, this alteration is predicted to be deleterious by in silico analysis. Based on the available evidence, the clinical significance of this variant remains unclear.

NM_000548.5(TSC2):c.5387T>C (p.Leu1796Pro)

Gene: TSC2 (TSC complex subunit 2; plus strand). Cytogenetic location: 16p13.3.
Variant type: single nucleotide variant.
Coding change: c.5387T>C on transcript NM_000548.5 (MANE Select); coding-DNA position 5387, T replaced by C.
Protein change: p.Leu1796Pro; replaces leucine 1796 with proline.
Molecular consequence: missense variant. On other transcripts: non-coding transcript variant (5).
Genome position (GRCh38, 1-based): chr16:2,088,573, T>C. VCF-style: chr16-2088573-T-C. GRCh37 (hg19) VCF-style: chr16-2138574-T-C.
Other names: c.3842T>C, p.Leu1281Pro (NM_001406695.1, NM_001406696.1, NM_001406697.1); c.3584T>C, p.Leu1195Pro (NM_001406698.1); c.5258T>C, p.Leu1753Pro (NM_021055.3); c.5315T>C, p.Leu1772Pro (NM_001406664.1); c.5309T>C, p.Leu1770Pro (NM_001406665.1); c.5279T>C, p.Leu1760Pro (NM_001406667.1); c.5276T>C, p.Leu1759Pro (NM_001406668.1); c.5207T>C, p.Leu1736Pro (NM_001406670.1); and 27 more; short protein forms L1195P, L1573P, L1576P, L1692P, L1729P, L1753P, L1773P, L1282P.
Identifiers: ClinVar variation 4557713 (VCV004557713.2).
Genomic context (GRCh38, chr16:2,088,573, plus strand): 5'-CCCCTGCACAGACTCCAGCCGAGCCCACACCTGGCTATGAGGTGGGCCAGCGGAAGCGCC[T>C]CATCTCCTCGGTGGAGGACTTCACCGAGTTTGTGTGAGGCCGGGGCCCTCCCTCCTGCAC-3'
Protein context (NP_000539.2, residues 1786-1806): PGYEVGQRKR[Leu1796Pro]ISSVEDFTEF